The following is an entry in ClinVar:

NM_024408.4(NOTCH2):c.5830G>C (p.Gly1944Arg)

Gene: NOTCH2 (notch receptor 2; minus strand). Cytogenetic location: 1p12.
Variant type: single nucleotide variant.
Coding change: c.5830G>C on transcript NM_024408.4 (MANE Select); coding-DNA position 5830, G replaced by C.
Protein change: p.Gly1944Arg; replaces glycine 1944 with arginine.
Molecular consequence: missense variant.
Genome position (GRCh38, 1-based): chr1:119,918,505, C>G on the plus strand (G>C on the coding strand, the complement: NOTCH2 is on the minus strand). VCF-style: chr1-119918505-C-G. GRCh37 (hg19) VCF-style: chr1-120461128-C-G.
Other names: short protein forms G1944R.
Identifiers: ClinVar variation 4753694 (VCV004753694.1).

ClinVar aggregate classification (germline): Uncertain significance (1 of 4 stars; one submission).

Conditions:
Hajdu-Cheney syndrome (HJCYS). Also called: ACROOSTEOLYSIS WITH OSTEOPOROSIS AND CHANGES IN SKULL AND MANDIBLE; SERPENTINE FIBULA-POLYCYSTIC KIDNEY SYNDROME; Acroosteolysis dominant type. Identifiers: Orphanet 955, MedGen C0917715, MONDO:0007057, OMIM 102500.

Submission:

Labcorp Genetics (formerly Invitae), Labcorp
Classification: Uncertain significance for Hajdu-Cheney syndrome. Last evaluated: 2025-08-30. Review status: criteria provided, single submitter. Criteria: Invitae Variant Classification Sherloc (09022015). Collection method: clinical testing. Allele origin: germline.
Comment: This sequence change replaces glycine, which is neutral and non-polar, with arginine, which is basic and polar, at codon 1944 of the NOTCH2 protein (p.Gly1944Arg). This variant is not present in population databases (gnomAD no frequency). This variant has not been reported in the literature in individuals affected with NOTCH2-related conditions. Invitae Evidence Modeling of protein sequence and biophysical properties (such as structural, functional, and spatial information, amino acid conservation, physicochemical variation, residue mobility, and thermodynamic stability) has been performed for this missense variant. However, the output from this modeling did not meet the statistical confidence thresholds required to predict the impact of this variant on NOTCH2 protein function. In summary, the available evidence is currently insufficient to determine the role of this variant in disease. Therefore, it has been classified as a Variant of Uncertain Significance.